The following is an entry in ClinVar:

ClinVar aggregate classification (germline): Benign. Review status: criteria provided, multiple submitters, no conflicts (2 of 4 stars). 12 submissions from 12 submitters: Benign (9). 3 of the submissions do not count toward it. Last evaluated 2026-02-04.

Conditions:
Familial infantile myasthenia (CMS6). Also called: MYASTHENIC SYNDROME, CONGENITAL, 6, PRESYNAPTIC; Congenital myasthenic syndrome type 6; MYASTHENIC SYNDROME, PRESYNAPTIC, CONGENITAL, ASSOCIATED WITH EPISODIC APNEA. Identifiers: Orphanet 590, MedGen C0393929, MONDO:0009689, OMIM 254210.

Allele frequency attached by ClinVar (database versions not stated): 1000 Genomes Project 30x 0.78919; 1000 Genomes Project 0.79353; TOPMed 0.80684; gnomAD 0.82309 and 0.82475; ESP Exome Variant Server 0.83984.
gnomAD v4.1: 1,422,937 of 1,613,882 alleles (88%); highest among the groups gnomAD compares: Non-Finnish European, 91%; 630,914 homozygotes.

Submissions (12):

Labcorp Genetics (formerly Invitae), Labcorp
Classification: Benign for Familial infantile myasthenia. Last evaluated: 2026-02-04. Review status: criteria provided, single submitter. Criteria: Invitae Variant Classification Sherloc (09022015). Collection method: clinical testing. Allele origin: germline.

Blueprint Genetics
Classification: Benign. Last evaluated: 2024-11-27. Review status: criteria provided, single submitter. Criteria: ACMG Guidelines, 2015. Collection method: clinical testing. Allele origin: germline.

Genome-Nilou Lab
Classification: Benign for Familial infantile myasthenia. Last evaluated: 2021-07-22. Review status: criteria provided, single submitter. Criteria: ACMG Guidelines, 2015. Collection method: clinical testing. Allele origin: germline. Affected: no.

Laboratory for Molecular Medicine, Mass General Brigham Personalized Medicine
Classification: Benign. Last evaluated: 2016-03-28. Review status: criteria provided, single submitter. Criteria: LMM Criteria. Collection method: clinical testing. Allele origin: germline.
Comment: Variant identified in a genome or exome case(s) and assessed due to predicted null impact of the variant or pathogenic assertions in the literature or databases. Disclaimer: This variant has not undergone full assessment. The following are preliminary notes: Frequency

GeneDx
Classification: Benign. Last evaluated: 2016-01-19. Review status: criteria provided, single submitter. Criteria: GeneDx Variant Classification (06012015). Collection method: clinical testing. Allele origin: germline. Affected: yes.
Comment: This variant is considered likely benign or benign based on one or more of the following criteria: it is a conservative change, it occurs at a poorly conserved position in the protein, it is predicted to be benign by multiple in silico algorithms, and/or has population frequency not consistent with disease.

Eurofins Ntd Llc (ga)
Classification: Benign. Last evaluated: 2014-11-17. Review status: criteria provided, single submitter. Criteria: EGL Classification Definitions 2015. Collection method: clinical testing. Allele origin: germline. Observed: 1 variant allele, 1 homozygote.

Genetic Services Laboratory, University of Chicago
Classification: Benign for AllHighlyPenetrant. Last evaluated: 2013-08-15. Review status: criteria provided, single submitter. Criteria: ACMG Guidelines, 2007. Collection method: clinical testing. Allele origin: germline. Inheritance: Autosomal recessive inheritance.

Breakthrough Genomics
Classification: Benign. Review status: criteria provided, single submitter. Criteria: ACMG Guidelines, 2015. Collection method: not provided. Allele origin: germline. Inheritance: Autosomal recessive inheritance. Affected: yes.

PreventionGenetics, part of Exact Sciences
Classification: Benign. Review status: criteria provided, single submitter. Criteria: ACMG Guidelines, 2015. Collection method: clinical testing. Allele origin: germline.

Mayo Clinic Laboratories, Mayo Clinic
Classification: Benign. Last evaluated: 2016-02-11. Review status: no assertion criteria provided. Collection method: clinical testing. Allele origin: unknown. Not counted in ClinVar's aggregate classification.

Diagnostic Laboratory, Department of Genetics, University Medical Center Groningen
Classification: Benign. Review status: no assertion criteria provided. Collection method: clinical testing. Allele origin: germline. Affected: yes. Study: VKGL Data-share Consensus. Not counted in ClinVar's aggregate classification.

Joint Genome Diagnostic Labs from Nijmegen and Maastricht, Radboudumc and MUMC+
Classification: Benign. Review status: no assertion criteria provided. Collection method: clinical testing. Allele origin: germline. Affected: yes. Study: VKGL Data-share Consensus. Not counted in ClinVar's aggregate classification.

NM_020549.5(CHAT):c.1641T>C (p.His547=)

Gene: CHAT (choline O-acetyltransferase; plus strand). Cytogenetic location: 10q11.23.
Variant type: single nucleotide variant.
Coding change: c.1641T>C on transcript NM_020549.5 (MANE Select); coding-DNA position 1641, T replaced by C.
Protein change: p.His547=; no amino-acid change (histidine 547 retained).
Molecular consequence: synonymous variant.
Genome position (GRCh38, 1-based): chr10:49,655,101, T>C. VCF-style: chr10-49655101-T-C. GRCh37 (hg19) VCF-style: chr10-50863147-T-C.
Other names: c.1287T>C, p.His429= (NM_001142929.2, NM_001142934.2, NM_020984.4 and 2 more transcripts); c.1395T>C, p.His465= (NM_001142933.2).
Identifiers: ClinVar variation 128719 (VCV000128719.32), dbSNP rs8178992, ClinGen allele CA152340.